The following is an entry in ClinVar:

NM_001103.4(ACTN2):c.2069ACA[1] (p.Asn691del)

Gene: ACTN2 (actinin alpha 2; plus strand). Cytogenetic location: 1q43.
Variant type: Microsatellite.
Coding change: c.2069ACA[1] on transcript NM_001103.4 (MANE Select); one copy of the 3-base unit ACA starting at c.2069; the reference has two copies in a row; one copy, 3 bases deleted.
Protein change: p.Asn691del; deletes asparagine 691.
Molecular consequence: inframe deletion.
Genome position (GRCh38, 1-based): chr1:236,755,116-236,755,118, ACA deleted; deleting any 3 consecutive bases within chr1:236,755,112-236,755,118 gives the same sequence; the position shown is the placement nearest the transcript's 3' end. VCF-style (leftmost placement, unchanged base first): chr1-236755111-GAAC-G. GRCh37 (hg19) VCF-style: chr1-236918411-GAAC-G.
Other names: c.2069ACA[1], p.Asn691del (NM_001278343.2); c.1445ACA[1], p.Asn483del (NM_001278344.2); c.2072_2074delACA (NM_001103.2); short protein forms N483del, N691del.
Identifiers: ClinVar variation 1317464 (VCV001317464.7), dbSNP rs757747164, ClinGen allele CA1473336.

ClinVar aggregate classification (germline): Uncertain significance. Review status: criteria provided, multiple submitters, no conflicts (2 of 4 stars). 3 submissions from 3 submitters: Uncertain significance (3). Last evaluated 2024-11-13.

Conditions:
Cardiovascular phenotype. Identifiers: MedGen CN230736.
Primary familial hypertrophic cardiomyopathy (HCM). Identifiers: Orphanet 99739, MedGen C0949658, MeSH D024741, MONDO:0024573. Inheritance: Various modes of inheritance.
Dilated cardiomyopathy 1AA (CMD1AA). Also called: CARDIOMYOPATHY, DILATED, 1AA, WITH OR WITHOUT LEFT VENTRICULAR NONCOMPACTION; CARDIOMYOPATHY, FAMILIAL HYPERTROPHIC, 23, WITH OR WITHOUT LEFT VENTRICULAR NONCOMPACTION; Cardiomyopathy, dilated, 1AA, with or without LVNC. Identifiers: Orphanet 154, MedGen C2677338, MONDO:0012808, OMIM 612158.

Submissions (3):

GeneDx
Classification: Uncertain significance. Last evaluated: 2024-11-13. Review status: criteria provided, single submitter. Criteria: GeneDx Variant Classification Process June 2021. Collection method: clinical testing. Allele origin: germline. Affected: yes.
Comment: In-frame deletion of 1 amino acid in a non-repeat region; In silico analysis supports a deleterious effect on protein structure/function; Has not been previously published as pathogenic or benign to our knowledge

Labcorp Genetics (formerly Invitae), Labcorp
Classification: Uncertain significance for Primary familial hypertrophic cardiomyopathy; Dilated cardiomyopathy 1AA. Last evaluated: 2023-12-01. Review status: criteria provided, single submitter. Criteria: Invitae Variant Classification Sherloc (09022015). Collection method: clinical testing. Allele origin: germline.
Comment: This variant, c.2072_2074del, results in the deletion of 1 amino acid(s) of the ACTN2 protein (p.Asn691del), but otherwise preserves the integrity of the reading frame. This variant is present in population databases (rs757747164, gnomAD 0.01%). This variant has not been reported in the literature in individuals affected with ACTN2-related conditions. Experimental studies and prediction algorithms are not available or were not evaluated, and the functional significance of this variant is currently unknown. In summary, the available evidence is currently insufficient to determine the role of this variant in disease. Therefore, it has been classified as a Variant of Uncertain Significance.

Ambry Genetics
Classification: Uncertain significance for Cardiovascular phenotype. Last evaluated: 2023-05-23. Review status: criteria provided, single submitter. Criteria: Ambry Variant Classification Scheme 2023. Collection method: clinical testing. Allele origin: germline.
Comment: The c.2072_2074delACA variant (also known as p.N691del) is located in coding exon 17 of the ACTN2 gene. This variant results from an in-frame ACA deletion at nucleotide positions 2072 to 2074. This results in the in-frame deletion of an asparagine at codon 691. This amino acid position is highly conserved in available vertebrate species. In addition, this alteration is predicted to be deleterious by in silico analysis (Choi Y et al. PLoS ONE. 2012; 7(10):e46688). Since supporting evidence is limited at this time, the clinical significance of this alteration remains unclear.